The following is an entry in ClinVar:

ClinVar aggregate classification (germline): Benign/Likely benign. Review status: criteria provided, multiple submitters, no conflicts (2 of 4 stars). 5 submissions from 5 submitters: Benign (1); Likely benign (4). Last evaluated 2026-01-26.

Conditions:
Nemaline myopathy 2 (NEM2). Also called: Nemaline myopathy 2, autosomal recessive. Identifiers: MedGen C1850569, MONDO:0009725, OMIM 256030.

Allele frequency attached by ClinVar (database versions not stated): gnomAD exomes 0.00008 and 0.00023; ExAC 0.00039; ESP Exome Variant Server 0.00075; gnomAD 0.00096; TOPMed 0.00100; 1000 Genomes Project 0.00240; 1000 Genomes Project 30x 0.00265.
gnomAD v4.1: 266 of 1,584,466 alleles (0.017%); highest among the groups gnomAD compares: African/African-American, 0.31%; 1 homozygote.

Submissions (5):

Labcorp Genetics (formerly Invitae), Labcorp
Classification: Benign for Nemaline myopathy 2. Last evaluated: 2026-01-26. Review status: criteria provided, single submitter. Criteria: Invitae Variant Classification Sherloc (09022015). Collection method: clinical testing. Allele origin: germline.

Mayo Clinic Laboratories, Mayo Clinic
Classification: Likely benign. Last evaluated: 2025-08-15. Review status: criteria provided, single submitter. Criteria: ACMG Guidelines, 2015. Collection method: clinical testing. Allele origin: germline. Observed: 2 variant alleles.
Comment: BP4, BP7

Blueprint Genetics
Classification: Likely benign. Last evaluated: 2023-06-13. Review status: criteria provided, single submitter. Criteria: ACMG Guidelines, 2015. Collection method: clinical testing. Allele origin: germline.

GeneDx
Classification: Likely benign. Last evaluated: 2021-03-18. Review status: criteria provided, single submitter. Criteria: GeneDx Variant Classification Process June 2021. Collection method: clinical testing. Allele origin: germline. Affected: yes.

Breakthrough Genomics
Classification: Likely benign. Review status: criteria provided, single submitter. Criteria: ACMG Guidelines, 2015. Collection method: not provided. Allele origin: germline. Inheritance: Autosomal recessive inheritance. Affected: yes.

NM_001164508.2(NEB):c.3801T>C (p.Asp1267=)

Gene: NEB (nebulin; minus strand). Cytogenetic location: 2q23.3.
Variant type: single nucleotide variant.
Coding change: c.3801T>C on transcript NM_001164508.2 (MANE Select); coding-DNA position 3801, T replaced by C.
Protein change: p.Asp1267=; no amino-acid change (aspartic acid 1267 retained).
Molecular consequence: synonymous variant.
Genome position (GRCh38, 1-based): chr2:151,675,365, A>G on the plus strand (T>C on the coding strand, the complement: NEB is on the minus strand). VCF-style: chr2-151675365-A-G. GRCh37 (hg19) VCF-style: chr2-152531879-A-G.
Other names: p.Asp1267=; c.3801T>C, p.Asp1267= (NM_001164507.2, NM_001271208.2, NM_004543.5).
Identifiers: ClinVar variation 389565 (VCV000389565.18), dbSNP rs182725059, ClinGen allele CA1910819.